The following is an entry in ClinVar:

NM_000038.6(APC):c.4168_4178del (p.Ser1389_Val1390insTer)

Gene: APC (APC regulator of Wnt signaling pathway; plus strand). Cytogenetic location: 5q22.2.
Variant type: Deletion.
Coding change: c.4168_4178del on transcript NM_000038.6 (MANE Select); coding-DNA positions 4168 to 4178, 11 bases deleted (GTCAGTTCACT).
Protein change: p.Ser1389_Val1390insTer.
Molecular consequence: nonsense. On other transcripts: non-coding transcript variant (2).
Genome position (GRCh38, 1-based): chr5:112,839,762-112,839,772, GTCAGTTCACT deleted; deleting any 11 consecutive bases within chr5:112,839,760-112,839,772 gives the same sequence; the c. name uses the placement nearest the transcript's 3' end. VCF-style (leftmost placement, unchanged base first): chr5-112839759-TCTGTCAGTTCA-T. GRCh37 (hg19) VCF-style: chr5-112175456-TCTGTCAGTTCA-T.
Other names: c.4222_4232del, p.Ser1407_Val1408insTer (NM_001407447.1, NM_001407448.1, NM_001407449.1 and 1 more transcripts); c.3991_4001del, p.Ser1330_Val1331insTer (NM_001407453.1, NM_001354901.2); c.4147_4157del, p.Ser1382_Val1383insTer (NM_001407451.1); c.4138_4148del, p.Ser1379_Val1380insTer (NM_001407452.1); c.4168_4178del, p.Ser1389_Val1390insTer (NM_001407450.1, NM_001127510.3, NM_001354895.2); c.4114_4124del, p.Ser1371_Val1372insTer (NM_001127511.3); c.4198_4208del, p.Ser1399_Val1400insTer (NM_001354897.2); c.4093_4103del, p.Ser1364_Val1365insTer (NM_001354898.2); and 11 more.
Identifiers: ClinVar variation 2584076 (VCV002584076.2), dbSNP rs2533553572, ClinGen allele CA2582341561.

ClinVar aggregate classification (germline): Pathogenic (1 of 4 stars; one submission).

Conditions:
Familial adenomatous polyposis 1 (FAP1). Also called: FAMILIAL ADENOMATOUS POLYPOSIS 1, ATTENUATED; POLYPOSIS, ADENOMATOUS INTESTINAL. Identifiers: MedGen C2713442, MONDO:0021056, OMIM 175100. Disease mechanism: loss of function.

Submission:

Myriad Genetics, Inc.
Classification: Pathogenic for Familial adenomatous polyposis 1. Last evaluated: 2023-05-10. Review status: criteria provided, single submitter. Criteria: Myriad Autosomal Dominant, Autosomal Recessive and X-Linked Classification Criteria (2023). Collection method: clinical testing. Allele origin: unknown.
Comment: This variant is considered pathogenic. This variant creates a termination codon and is predicted to result in premature protein truncation.